The following is an entry in ClinVar:

ClinVar aggregate classification (germline): Conflicting classifications of pathogenicity. Review status: criteria provided, conflicting classifications (1 of 4 stars). 2 submissions from 2 submitters: Uncertain significance (1); Likely benign (1). Last evaluated 2024-03-01.

Conditions:
Primary ciliary dyskinesia. Also called: Ciliary dyskinesia. Identifiers: Orphanet 244, MedGen C0008780, MONDO:0016575, HP:0012265.

Allele frequency attached by ClinVar (database versions not stated): gnomAD exomes 0.00009; ExAC 0.00010.

Submissions (2):

Blueprint Genetics
Classification: Likely benign. Last evaluated: 2024-03-01. Review status: criteria provided, single submitter. Criteria: ACMG Guidelines, 2015. Collection method: clinical testing. Allele origin: germline.

Labcorp Genetics (formerly Invitae), Labcorp
Classification: Uncertain significance for Primary ciliary dyskinesia. Last evaluated: 2022-02-06. Review status: criteria provided, single submitter. Criteria: Invitae Variant Classification Sherloc (09022015). Collection method: clinical testing. Allele origin: germline.
Comment: This sequence change replaces glycine, which is neutral and non-polar, with glutamic acid, which is acidic and polar, at codon 822 of the RPGR (ORF15) protein (p.Gly822Glu). In summary, the available evidence is currently insufficient to determine the role of this variant in disease. Therefore, it has been classified as a Variant of Uncertain Significance. Experimental studies and prediction algorithms are not available or were not evaluated, and the functional significance of this variant is currently unknown. This variant has not been reported in the literature in individuals affected with RPGR (ORF15)-related conditions. The frequency data for this variant in the population databases is considered unreliable, as metrics indicate poor data quality at this position in the gnomAD database.

NM_001034853.2(RPGR):c.2465G>A (p.Gly822Glu)

Gene: RPGR (retinitis pigmentosa GTPase regulator; minus strand). Cytogenetic location: Xp11.4.
Variant type: single nucleotide variant.
Coding change: c.2465G>A on transcript NM_001034853.2 (MANE Select); coding-DNA position 2465, G replaced by A.
Protein change: p.Gly822Glu; replaces glycine 822 with glutamic acid.
Molecular consequence: missense variant. On other transcripts: intron variant (8).
Genome position (GRCh38, 1-based): chrX:38,286,534, C>T on the plus strand (G>A on the coding strand, the complement: RPGR is on the minus strand). VCF-style: chrX-38286534-C-T. GRCh37 (hg19) VCF-style: chrX-38145787-C-T.
Other names: c.1569+4425G>A (NM_001367249.1, NM_001367250.1); c.1902+560G>A (NM_001367245.1); c.1386+4425G>A (NM_001367251.1); c.1719+560G>A (NM_001367246.1); c.1572+4425G>A (NM_001367247.1); c.1905+560G>A (NM_000328.3); c.1602+4425G>A (NM_001367248.1); short protein forms G822E.
Identifiers: ClinVar variation 2145330 (VCV002145330.5), dbSNP rs763051284, ClinGen allele CA10385281.